The following is an entry in ClinVar:

ClinVar aggregate classification (germline): Uncertain significance (1 of 4 stars; one submission).

Conditions:
Cardiovascular phenotype. Identifiers: MedGen CN230736.

Submission:

Ambry Genetics
Classification: Uncertain significance for Cardiovascular phenotype. Last evaluated: 2018-02-21. Review status: criteria provided, single submitter. Criteria: Ambry Variant Classification Scheme 2023. Collection method: clinical testing. Allele origin: germline.
Comment: The c.-2_-1delACinsGCA variant, located in in the 5' untranslated region (5&rsquo;UTR) of the DSP gene, results from the deletion of two nucleotides (AC) and the insertion of 3 nucleotides (GCA) at nucleotide positions -2 to -1. These nucleotide positions are not well conserved in available vertebrate species. Since supporting evidence is limited at this time, the clinical significance of this alteration remains unclear.

NM_004415.4(DSP):c.-2_-1delinsGCA

Genes: DSP (desmoplakin; plus strand), DSP-AS1 (DSP antisense RNA 1; minus strand). Cytogenetic location: 6p24.3.
Variant type: Indel.
Coding change: c.-2_-1delinsGCA on transcript NM_004415.4 (MANE Select); 2 bases upstream of the start codon through 1 bases upstream of the start codon, AC replaced by GCA.
Molecular consequence: 5 prime UTR variant.
Genome position (GRCh38, 1-based): chr6:7,541,914-7,541,915, AC replaced by GCA. VCF-style: chr6-7541914-AC-GCA. GRCh37 (hg19) VCF-style: chr6-7542147-AC-GCA.
Other names: c.-2_-1delinsGCA (NM_001008844.3, NM_001319034.2); c.-2_-1delACinsGCA (NM_001406591.1).
Identifiers: ClinVar variation 1784217 (VCV001784217.2), dbSNP rs2533799981, ClinGen allele CA2580075345.
Genomic context (GRCh38, chr6:7,541,914, plus strand): 5'-TCCGCGCCGGCCCGCCTCGCTTATGCCTCGGCGCTGAGCCGCTCTCCCGATTGCCCGCCG[AC>GCA]ATGAGCTGCAACGGAGGCTCCCACCCGCGGATCAACACTCTGGGCCGCATGATCCGCGCC-3'